The following is an entry in ClinVar:

NM_000260.4(MYO7A):c.4338GAG[1] (p.Arg1448del)

Gene: MYO7A (myosin VIIA; plus strand). Cytogenetic location: 11q13.5.
Variant type: Microsatellite.
Coding change: c.4338GAG[1] on transcript NM_000260.4 (MANE Select); one copy of the 3-base unit GAG starting at c.4338; the reference has two copies in a row; one copy, 3 bases deleted; also written c.4341_4343del.
Protein change: p.Arg1448del; deletes arginine 1448.
Molecular consequence: inframe deletion.
Genome position (GRCh38, 1-based): chr11:77,197,498-77,197,500, GAG deleted; deleting any 3 consecutive bases within chr11:77,197,495-77,197,500 gives the same sequence; the position shown is the placement nearest the transcript's 3' end. VCF-style (leftmost placement, unchanged base first): chr11-77197494-AGAG-A. GRCh37 (hg19) VCF-style: chr11-76908539-AGAG-A.
Other names: c.4341_4343del (NM_000260.4); c.4338GAG[1], p.Arg1448del (NM_001127180.2); c.4305GAG[1], p.Arg1437del (NM_001369365.1); short protein forms R1448del, R1437del.
Identifiers: ClinVar variation 556779 (VCV000556779.11), dbSNP rs1432069074, ClinGen allele CA658822316.

ClinVar aggregate classification (germline): Uncertain significance. Review status: criteria provided, multiple submitters, no conflicts (2 of 4 stars). 3 submissions from 3 submitters: Uncertain significance (2). 1 of the submissions does not count toward it. Last evaluated 2025-04-09.

Conditions:
Autosomal recessive nonsyndromic hearing loss 2. Also called: NEUROSENSORY NONSYNDROMIC RECESSIVE DEAFNESS 2; DEAFNESS, AUTOSOMAL RECESSIVE 2. Identifiers: Orphanet 90636, MedGen C1838701, MONDO:0010807, OMIM 600060.
Usher syndrome type 1 (USH1). Also called: RETINITIS PIGMENTOSA AND CONGENITAL DEAFNESS. Identifiers: Orphanet 231169, Orphanet 886, MedGen C1568247, MONDO:0010168, OMIM 276900.

Submissions (3):

Dasa
Classification: Uncertain significance. Last evaluated: 2025-04-09. Review status: criteria provided, single submitter. Criteria: DASA Assertion Criteria. Collection method: clinical testing. Allele origin: germline.
Comment: NM_000260.4(MYO7A):c.4341_4343del (p.Arg1448del) is an in-frame deletion predicted to remove arginine at protein position 1448 without shifting the reading frame. This variant is rare in population databases. The currently available literature and clinical evidence are not sufficient to establish a definitive association between this variant and the reported condition. Therefore, this variant is classified as a variant of uncertain significance.

Labcorp Genetics (formerly Invitae), Labcorp
Classification: Uncertain significance. Last evaluated: 2024-10-24. Review status: criteria provided, single submitter. Criteria: Invitae Variant Classification Sherloc (09022015). Collection method: clinical testing. Allele origin: germline.
Comment: This variant, c.4341_4343del, results in the deletion of 1 amino acid(s) of the MYO7A protein (p.Arg1448del), but otherwise preserves the integrity of the reading frame. This variant is not present in population databases (gnomAD no frequency). This variant has not been reported in the literature in individuals affected with MYO7A-related conditions. ClinVar contains an entry for this variant (Variation ID: 556779). Experimental studies and prediction algorithms are not available or were not evaluated, and the functional significance of this variant is currently unknown. In summary, the available evidence is currently insufficient to determine the role of this variant in disease. Therefore, it has been classified as a Variant of Uncertain Significance.

Counsyl
Classification: Uncertain significance for Usher syndrome type 1; Autosomal recessive nonsyndromic hearing loss 2. Last evaluated: 2018-02-20. Review status: no assertion criteria provided. Collection method: clinical testing. Allele origin: unknown. Not counted in ClinVar's aggregate classification.